The following is an entry in ClinVar:

ClinVar aggregate classification (germline): Uncertain significance (1 of 4 stars; one submission).

Conditions:
Developmental and epileptic encephalopathy, 36 (DEE36). Also called: Epileptic encephalopathy, early infantile, 36; Congenital disorder of glycosylation, type Is; ALG13-CDG. Identifiers: Orphanet 324422, MedGen C4317295, MONDO:0010472, OMIM 300884.

Submission:

Labcorp Genetics (formerly Invitae), Labcorp
Classification: Uncertain significance for Developmental and epileptic encephalopathy, 36. Last evaluated: 2024-11-13. Review status: criteria provided, single submitter. Criteria: Invitae Variant Classification Sherloc (09022015). Collection method: clinical testing. Allele origin: germline.
Comment: This sequence change replaces glycine, which is neutral and non-polar, with aspartic acid, which is acidic and polar, at codon 564 of the ALG13 protein (p.Gly564Asp). This variant is not present in population databases (gnomAD no frequency). This variant has not been reported in the literature in individuals affected with ALG13-related conditions. Invitae Evidence Modeling of protein sequence and biophysical properties (such as structural, functional, and spatial information, amino acid conservation, physicochemical variation, residue mobility, and thermodynamic stability) indicates that this missense variant is not expected to disrupt ALG13 protein function with a negative predictive value of 95%. In summary, the available evidence is currently insufficient to determine the role of this variant in disease. Therefore, it has been classified as a Variant of Uncertain Significance.

NM_001099922.3(ALG13):c.1691G>A (p.Gly564Asp)

Gene: ALG13 (ALG13 UDP-N-acetylglucosaminyltransferase subunit; plus strand). Cytogenetic location: Xq23.
Variant type: single nucleotide variant.
Coding change: c.1691G>A on transcript NM_001099922.3 (MANE Select); coding-DNA position 1691, G replaced by A.
Protein change: p.Gly564Asp; replaces glycine 564 with aspartic acid.
Molecular consequence: missense variant. On other transcripts: non-coding transcript variant (1).
Genome position (GRCh38, 1-based): chrX:111,725,023, G>A. VCF-style: chrX-111725023-G-A. GRCh37 (hg19) VCF-style: chrX-110968251-G-A.
Other names: c.1379G>A, p.Gly460Asp (NM_001257230.2, NM_001257234.2, NM_001257237.2); c.1457G>A, p.Gly486Asp (NM_001257231.2); c.1691G>A, p.Gly564Asp (NM_001324292.2); c.1205G>A, p.Gly402Asp (NM_001324293.1); short protein forms G564D, G486D, G460D, G402D.
Identifiers: ClinVar variation 3697491 (VCV003697491.2).